The following is an entry in ClinVar:

ClinVar aggregate classification (germline): Uncertain significance (1 of 4 stars; one submission).

Conditions:
Developmental and epileptic encephalopathy, 11 (DEE11). Also called: Early infantile epileptic encephalopathy 11. Identifiers: Orphanet 1934, MedGen C3150987, MONDO:0013388, OMIM 613721.
Seizures, benign familial infantile, 3 (BFIS3). Also called: Familial neonatal seizures; CONVULSIONS, BENIGN FAMILIAL INFANTILE, 3. Identifiers: Orphanet 140927, Orphanet 306, MedGen C1843140, MONDO:0011904, OMIM 607745.

Submission:

Labcorp Genetics (formerly Invitae), Labcorp
Classification: Uncertain significance for Seizures, benign familial infantile, 3; Developmental and epileptic encephalopathy, 11. Last evaluated: 2020-09-15. Review status: criteria provided, single submitter. Criteria: Invitae Variant Classification Sherloc (09022015). Collection method: clinical testing. Allele origin: germline.
Comment: This sequence change replaces proline with serine at codon 1728 of the SCN2A protein (p.Pro1728Ser). The proline residue is highly conserved and there is a moderate physicochemical difference between proline and serine. This variant is not present in population databases (ExAC no frequency). This variant has not been reported in the literature in individuals with SCN2A-related conditions. Algorithms developed to predict the effect of missense changes on protein structure and function are either unavailable or do not agree on the potential impact of this missense change (SIFT: "Deleterious"; PolyPhen-2: "Benign"; Align-GVGD: "Class C65"). In summary, the available evidence is currently insufficient to determine the role of this variant in disease. Therefore, it has been classified as a Variant of Uncertain Significance.

NM_001040142.2(SCN2A):c.5182C>T (p.Pro1728Ser)

Gene: SCN2A (sodium voltage-gated channel alpha subunit 2; plus strand). Cytogenetic location: 2q24.3.
Variant type: single nucleotide variant.
Coding change: c.5182C>T on transcript NM_001040142.2 (MANE Select); coding-DNA position 5182, C replaced by T.
Protein change: p.Pro1728Ser; replaces proline 1728 with serine.
Molecular consequence: missense variant.
Genome position (GRCh38, 1-based): chr2:165,388,988, C>T. VCF-style: chr2-165388988-C-T. GRCh37 (hg19) VCF-style: chr2-166245498-C-T.
Other names: c.5182C>T, p.Pro1728Ser (NM_001040143.2, NM_001371246.1, NM_001371247.1 and 1 more transcripts); short protein forms P1728S.
Identifiers: ClinVar variation 1062488 (VCV001062488.9), dbSNP rs2105402669, ClinGen allele CA349038387.